The following is an entry in ClinVar:

NM_153240.5(NPHP3):c.1174C>T (p.Arg392Ter)

Genes: NPHP3-ACAD11 (NPHP3-ACAD11 readthrough (NMD candidate); minus strand), NPHP3 (nephrocystin 3; minus strand). Cytogenetic location: 3q22.1.
Variant type: single nucleotide variant.
Coding change: c.1174C>T on transcript NM_153240.5 (MANE Select); coding-DNA position 1174, C replaced by T.
Protein change: p.Arg392Ter; replaces arginine 392 with a stop codon.
Molecular consequence: nonsense. On other transcripts: non-coding transcript variant (1).
Genome position (GRCh38, 1-based): chr3:132,708,202, G>A on the plus strand (C>T on the coding strand, the complement: NPHP3 is on the minus strand). VCF-style: chr3-132708202-G-A. GRCh37 (hg19) VCF-style: chr3-132427046-G-A.
Other names: c.1174C>T (NM_153240.4); short protein forms R392*.
Identifiers: ClinVar variation 635041 (VCV000635041.9), dbSNP rs1485445500, ClinGen allele CA354585197.

ClinVar aggregate classification (germline): Pathogenic/Likely pathogenic. Review status: criteria provided, multiple submitters, no conflicts (2 of 4 stars). 5 submissions from 5 submitters: Pathogenic (3); Likely pathogenic (1). 1 of the submissions does not count toward it. Last evaluated 2025-03-31.

Conditions:
Nephronophthisis 3 (NPHP3). Also called: Adolescent nephronophthisis. Identifiers: Orphanet 655, MedGen C1858392, MONDO:0011456, OMIM 604387.
NPHP3-related Meckel-like syndrome. Also called: GOLDSTON SYNDROME; Meckel syndrome type 7. Identifiers: Orphanet 3032, MedGen C2673885, MONDO:0009966, OMIM 267010.
Renal-hepatic-pancreatic dysplasia 1 (RHPD1). Identifiers: MedGen C3715199, MONDO:0008833, OMIM 208540.
NPHP3-related disorder. Also called: NPHP3-related condition; NPHP3-related disorders. Identifiers: MedGen CN379163.
Nephronophthisis. Also called: Juvenile Nephronophthisis. Identifiers: Orphanet 655, MedGen C0687120, MONDO:0019005, HP:0000090.

Allele frequency attached by ClinVar (database versions not stated): gnomAD 0.00001; gnomAD exomes 0.00001; TOPMed 0.00001.

Submissions (5):

Labcorp Genetics (formerly Invitae), Labcorp
Classification: Pathogenic for Nephronophthisis. Last evaluated: 2025-03-31. Review status: criteria provided, single submitter. Criteria: Invitae Variant Classification Sherloc (09022015). Collection method: clinical testing. Allele origin: germline.
Comment: This sequence change creates a premature translational stop signal (p.Arg392*) in the NPHP3 gene. It is expected to result in an absent or disrupted protein product. Loss-of-function variants in NPHP3 are known to be pathogenic (PMID: 18371931, 23559409). This variant is present in population databases (no rsID available, gnomAD 0.004%). This premature translational stop signal has been observed in individual(s) with juvenile nephronophthisis (PMID: 31131822). ClinVar contains an entry for this variant (Variation ID: 635041). Algorithms developed to predict the effect of sequence changes on RNA splicing suggest that this variant may disrupt the consensus splice site. For these reasons, this variant has been classified as Pathogenic.

Fulgent Genetics
Classification: Pathogenic for Renal-hepatic-pancreatic dysplasia 1; NPHP3-related Meckel-like syndrome; Nephronophthisis 3. Last evaluated: 2022-01-08. Review status: criteria provided, single submitter. Criteria: ACMG Guidelines, 2015. Collection method: clinical testing. Allele origin: unknown.

Revvity Omics, Revvity
Classification: Likely pathogenic. Last evaluated: 2021-12-28. Review status: criteria provided, single submitter. Criteria: ACMG Guidelines, 2015. Collection method: clinical testing. Allele origin: germline.

Broad Center for Mendelian Genomics, Broad Institute of MIT and Harvard
Classification: Pathogenic for Nephronophthisis 3. Last evaluated: 2018-06-15. Review status: criteria provided, single submitter. Criteria: ACMG Guidelines, 2015. Collection method: research. Allele origin: germline. Inheritance: Autosomal recessive inheritance. Affected: yes.
Comment: This variant has been identified in <0.01% (1/25790) of European (Finnish) chromosomes by the Genome Aggregation Database (gnomAD; dbSNP rs143197357). Although this variant has been seen in the general population, its frequency is low enough to be consistent with a recessive carrier frequency. Loss of function of the NPHP3 gene is an established disease mechanism in autosomal recessive nephronophthisis, and this is a loss of function variant. In summary, this variant is pathogenic.

PreventionGenetics, part of Exact Sciences
Classification: Pathogenic for NPHP3-related condition. Last evaluated: 2024-06-08. Review status: no assertion criteria provided. Collection method: clinical testing. Allele origin: germline. Not counted in ClinVar's aggregate classification.
Comment: The NPHP3 c.1174C>T variant is predicted to result in premature protein termination (p.Arg392*). This variant in the compound heterozygous condition was reported in one individual with infantile nephronophthisis (Tang et al. 2019. PubMed ID: 31131822; Devarajan et al. 2022. PubMed ID: 35372818). This variant is reported in 0.0040% of alleles in individuals of European (Finnish) descent in gnomAD. Nonsense variants in NPHP3 are expected to be pathogenic. This variant is interpreted as pathogenic.

Literature cited by the submitters: PubMed 18371931 (cited by Labcorp Genetics (formerly Invitae), Labcorp); PubMed 23559409 (cited by Labcorp Genetics (formerly Invitae), Labcorp); PubMed 31131822 (cited by Labcorp Genetics (formerly Invitae), Labcorp).